The following is an entry in ClinVar:

ClinVar aggregate classification (germline): Uncertain significance. Review status: criteria provided, multiple submitters, no conflicts (2 of 4 stars). 3 submissions from 3 submitters: Uncertain significance (3). Last evaluated 2026-08-27.

Conditions:
Joubert syndrome. Also called: JOUBERT-BOLTSHAUSER SYNDROME; Familial aplasia of the vermis. Identifiers: Orphanet 475, MedGen C5979921, MONDO:0018772.
Meckel-Gruber syndrome. Also called: DYSENCEPHALIA SPLANCHNOCYSTICA; GRUBER SYNDROME; Dysencephalia splachnocystica. Identifiers: Orphanet 564, MedGen C0265215, MONDO:0018921.
Inborn genetic diseases. Identifiers: MedGen C0950123, MeSH D030342.
RPGRIP1L-related disorder. Also called: RPGRIP1L-related condition; RPGRIP1L-related disorders. Identifiers: MedGen CN239416.

Allele frequency attached by ClinVar (database versions not stated): gnomAD exomes below 0.00001; gnomAD 0.00001; TOPMed 0.00001.
gnomAD v4.1: 3 of 1,613,714 alleles (0.00019%); highest among the groups gnomAD compares: African/African-American, 0.0013%; no homozygotes.

Submissions (3):

PreventionGenetics, part of Exact Sciences
Classification: Uncertain significance for RPGRIP1L-related condition. Last evaluated: 2026-08-27. Review status: criteria provided, single submitter. Criteria: ACMG Guidelines, 2015. Collection method: clinical testing. Allele origin: germline.
Comment: The RPGRIP1L c.2867T>C variant is predicted to result in the amino acid substitution p.Leu956Pro. To our knowledge, this variant has not been reported in the literature or in a large population database (gnomAD), indicating this variant is rare. At this time, the clinical significance of this variant is uncertain due to the absence of conclusive functional and genetic evidence.

Labcorp Genetics (formerly Invitae), Labcorp
Classification: Uncertain significance for Joubert syndrome; Meckel-Gruber syndrome. Last evaluated: 2024-03-07. Review status: criteria provided, single submitter. Criteria: Invitae Variant Classification Sherloc (09022015). Collection method: clinical testing. Allele origin: germline.
Comment: This sequence change replaces leucine, which is neutral and non-polar, with proline, which is neutral and non-polar, at codon 956 of the RPGRIP1L protein (p.Leu956Pro). This variant is not present in population databases (gnomAD no frequency). This variant has not been reported in the literature in individuals affected with RPGRIP1L-related conditions. ClinVar contains an entry for this variant (Variation ID: 1917461). Advanced modeling of protein sequence and biophysical properties (such as structural, functional, and spatial information, amino acid conservation, physicochemical variation, residue mobility, and thermodynamic stability) performed at Invitae indicates that this missense variant is not expected to disrupt RPGRIP1L protein function with a negative predictive value of 80%. In summary, the available evidence is currently insufficient to determine the role of this variant in disease. Therefore, it has been classified as a Variant of Uncertain Significance.

Ambry Genetics
Classification: Uncertain significance for Inborn genetic diseases. Last evaluated: 2023-12-16. Review status: criteria provided, single submitter. Criteria: Ambry Variant Classification Scheme 2023. Collection method: clinical testing. Allele origin: germline.

NM_015272.5(RPGRIP1L):c.2867T>C (p.Leu956Pro)

Gene: RPGRIP1L (RPGRIP1 like; minus strand). Cytogenetic location: 16q12.2.
Variant type: single nucleotide variant.
Coding change: c.2867T>C on transcript NM_015272.5 (MANE Select); coding-DNA position 2867, T replaced by C.
Protein change: p.Leu956Pro; replaces leucine 956 with proline.
Molecular consequence: missense variant.
Genome position (GRCh38, 1-based): chr16:53,641,292, A>G on the plus strand (T>C on the coding strand, the complement: RPGRIP1L is on the minus strand). VCF-style: chr16-53641292-A-G. GRCh37 (hg19) VCF-style: chr16-53675204-A-G.
Other names: c.2867T>C (NM_015272.2, NM_015272.4); c.2867T>C, p.Leu956Pro (NM_001127897.4, NM_001308334.3, NM_001330538.2); short protein forms L956P.
Identifiers: ClinVar variation 1917461 (VCV001917461.5), dbSNP rs1161014573, ClinGen allele CA395927120.
Genomic context (GRCh38, chr16:53,641,292, plus strand): 5'-TTTATATTCAAAATTTTATACTTGTAAAAAAATTAAAAGTCACTGATACTCACTAAAACT[A>G]GTGTGCTAACAGAGGATGCTGGAGGAAGTCTTTGAACAACTTCTGGCTCTTCGCTGCGAA-3'
Protein context (NP_056087.2, residues 946-966): RLPPASSVST[Leu956Pro]VLAPRPKPRQ